The following is an entry in ClinVar:

NM_006231.4(POLE):c.1100_1101del (p.Phe366_Phe367insTer)

Gene: POLE (DNA polymerase epsilon, catalytic subunit; minus strand). Cytogenetic location: 12q24.33.
Variant type: Deletion.
Coding change: c.1100_1101del on transcript NM_006231.4 (MANE Select); coding-DNA positions 1100 to 1101, 2 bases deleted (TT; older notation c.1100_1101delTT).
Protein change: p.Phe366_Phe367insTer.
Molecular consequence: nonsense.
Genome position (GRCh38, 1-based): chr12:132,675,740-132,675,741, AA deleted on the plus strand (TT on the coding strand, the reverse complement: POLE is on the minus strand); deleting any 2 consecutive bases within chr12:132,675,740-132,675,745 gives the same sequence; the c. name uses the placement nearest the transcript's 3' end. VCF-style (leftmost placement, unchanged base first): chr12-132675739-CAA-C. GRCh37 (hg19) VCF-style: chr12-133252325-CAA-C.
Identifiers: ClinVar variation 1425784 (VCV001425784.8), dbSNP rs1488526952, ClinGen allele CA2573148353.
Genomic context (GRCh38, chr12:132,675,739, plus strand): 5'-CAACGCCCTCCCTCTCAAATGCTGCCCAGTTACTCATAGAGAAGACACAGACTCACCAGT[CAA>C]AAAAGTCCCCGTTGTAGGTGACCATGATGGTGGGTTTGGTCTCCTGGACGTGTTCAAACC-3'

ClinVar aggregate classification (germline): Pathogenic (1 of 4 stars; one submission).

Submission:

Labcorp Genetics (formerly Invitae), Labcorp
Classification: Pathogenic. Last evaluated: 2024-02-08. Review status: criteria provided, single submitter. Criteria: Invitae Variant Classification Sherloc (09022015). Collection method: clinical testing. Allele origin: germline.
Comment: This sequence change creates a premature translational stop signal (p.Phe367*) in the POLE gene. It is expected to result in an absent or disrupted protein product. Loss-of-function variants in POLE are known to be pathogenic (PMID: 23230001, 25948378, 30503519). This variant is not present in population databases (gnomAD no frequency). This variant has not been reported in the literature in individuals affected with POLE-related conditions. ClinVar contains an entry for this variant (Variation ID: 1425784). For these reasons, this variant has been classified as Pathogenic.

Literature cited by the submitters: PubMed 23230001; PubMed 25948378; PubMed 30503519.